The following is an entry in ClinVar:

NM_194291.3(TMEM65):c.646G>A (p.Gly216Ser)

Gene: TMEM65 (transmembrane protein 65; minus strand). Cytogenetic location: 8q24.13.
Variant type: single nucleotide variant.
Coding change: c.646G>A on transcript NM_194291.3 (MANE Select); coding-DNA position 646, G replaced by A.
Protein change: p.Gly216Ser; replaces glycine 216 with serine.
Molecular consequence: missense variant.
Genome position (GRCh38, 1-based): chr8:124,314,037, C>T on the plus strand (G>A on the coding strand, the complement: TMEM65 is on the minus strand). VCF-style: chr8-124314037-C-T. GRCh37 (hg19) VCF-style: chr8-125326278-C-T.
Other names: short protein forms G216S.
Identifiers: ClinVar variation 3027467 (VCV003027467.1), dbSNP rs1814200530, ClinGen allele CA372267179.

ClinVar aggregate classification (germline): Uncertain significance (1 of 4 stars; one submission).

Allele frequency attached by ClinVar (database versions not stated): TOPMed below 0.00001.

Submission:

Human Genetics Bochum, Ruhr University Bochum
Classification: Uncertain significance. Last evaluated: 2023-11-21. Review status: criteria provided, single submitter. Criteria: ACMG Guidelines, 2015. Collection method: clinical testing. Allele origin: germline. Affected: yes.
Comment: ACMG criteria used to clasify this variant: PP3_MOD, PM2_SUP, PM3_SUP